The following is an entry in ClinVar:

NM_000520.6(HEXA):c.582G>A (p.Ala194=)

Gene: HEXA (hexosaminidase subunit alpha; minus strand). Cytogenetic location: 15q23.
Variant type: single nucleotide variant.
Coding change: c.582G>A on transcript NM_000520.6 (MANE Select); coding-DNA position 582, G replaced by A.
Protein change: p.Ala194=; no amino-acid change (alanine 194 retained).
Molecular consequence: synonymous variant. On other transcripts: non-coding transcript variant (1).
Genome position (GRCh38, 1-based): chr15:72,351,223, C>T on the plus strand (G>A on the coding strand, the complement: HEXA is on the minus strand). VCF-style: chr15-72351223-C-T. GRCh37 (hg19) VCF-style: chr15-72643564-C-T.
Other names: c.615G>A, p.Ala205= (NM_001318825.2); c.582G>A (NM_000520.5).
Identifiers: ClinVar variation 697552 (VCV000697552.22), dbSNP rs112614306, ClinGen allele CA7644950.

ClinVar aggregate classification (germline): Likely benign. Review status: criteria provided, multiple submitters, no conflicts (2 of 4 stars). 5 submissions from 5 submitters: Likely benign (3). 2 of the submissions do not count toward it. Last evaluated 2026-01-07.

Conditions:
Tay-Sachs disease (TSD). Also called: Hexosaminidase A Deficiency; GM2 gangliosidosis, type 1; Hexosaminidase alpha-subunit deficiency (variant B); Sphingolipidosis, Tay-Sachs; HEXA Disorders; HEXA DEFICIENCY. Identifiers: Orphanet 845, MedGen C0039373, MONDO:0010100, OMIM 272800.
HEXA-related disorder. Also called: HEXA-related condition.

Allele frequency attached by ClinVar (database versions not stated): gnomAD exomes 0.00002; ExAC 0.00004; TOPMed 0.00005; ESP Exome Variant Server 0.00015; gnomAD 0.00016.
gnomAD v4.1: 43 of 1,606,490 alleles (0.0027%); highest among the groups gnomAD compares: African/African-American, 0.027%; no homozygotes.

Submissions (5):

Labcorp Genetics (formerly Invitae), Labcorp
Classification: Likely benign for Tay-Sachs disease. Last evaluated: 2026-01-07. Review status: criteria provided, single submitter. Criteria: Invitae Variant Classification Sherloc (09022015). Collection method: clinical testing. Allele origin: germline.

Genome-Nilou Lab
Classification: Likely benign for Tay-Sachs disease. Last evaluated: 2021-07-14. Review status: criteria provided, single submitter. Criteria: ACMG Guidelines, 2015. Collection method: clinical testing. Allele origin: germline. Affected: no.

ARUP Laboratories, Molecular Genetics and Genomics, ARUP Laboratories
Classification: Likely benign. Last evaluated: 2020-03-13. Review status: criteria provided, single submitter. Criteria: ARUP Molecular Germline Variant Investigation Process. Collection method: clinical testing. Allele origin: germline.

PreventionGenetics, part of Exact Sciences
Classification: Likely benign for HEXA-related condition. Last evaluated: 2021-10-29. Review status: no assertion criteria provided. Collection method: clinical testing. Allele origin: germline. Not counted in ClinVar's aggregate classification.
Comment: This variant is classified as likely benign based on ACMG/AMP sequence variant interpretation guidelines (Richards et al. 2015 PMID: 25741868, with internal and published modifications).

Natera, Inc.
Classification: Uncertain significance for Tay-Sachs disease. Last evaluated: 2018-07-20. Review status: no assertion criteria provided. Collection method: clinical testing. Allele origin: germline. Not counted in ClinVar's aggregate classification.